The following is an entry in ClinVar:

NM_004360.5(CDH1):c.2568C>T (p.Asp856=)

Gene: CDH1 (cadherin 1; plus strand). Cytogenetic location: 16q22.1.
Variant type: single nucleotide variant.
Coding change: c.2568C>T on transcript NM_004360.5 (MANE Select); coding-DNA position 2568, C replaced by T.
Protein change: p.Asp856=; no amino-acid change (aspartic acid 856 retained).
Molecular consequence: synonymous variant.
Genome position (GRCh38, 1-based): chr16:68,833,418, C>T. VCF-style: chr16-68833418-C-T. GRCh37 (hg19) VCF-style: chr16-68867321-C-T.
Other names: c.2385C>T, p.Asp795= (NM_001317184.2); c.1020C>T, p.Asp340= (NM_001317185.2); c.603C>T, p.Asp201= (NM_001317186.2).
Identifiers: ClinVar variation 3378722 (VCV003378722.1).
Genomic context (GRCh38, chr16:68,833,418, plus strand): 5'-AGGAAGCGGTTCCGAAGCTGCTAGTCTGAGCTCCCTGAACTCCTCAGAGTCAGACAAAGA[C>T]CAGGACTATGACTACTTGAACGAATGGGGCAATCGCTTCAAGAAGCTGGCTGACATGTAC-3'
Protein context (NP_004351.1, residues 846-866): SSLNSSESDK[Asp856=]QDYDYLNEWG

ClinVar aggregate classification (germline): Benign (1 of 4 stars; one submission).

Conditions:
Hereditary diffuse gastric adenocarcinoma (HDGC). Also called: DIFFUSE GASTRIC AND LOBULAR BREAST CANCER SYNDROME. Identifiers: Orphanet 26106, MedGen C1708349, MONDO:0007648, OMIM 137215.

Submission:

Myriad Genetics, Inc.
Classification: Benign for Hereditary diffuse gastric adenocarcinoma. Last evaluated: 2024-09-24. Review status: criteria provided, single submitter. Criteria: Myriad Autosomal Dominant, Autosomal Recessive and X-Linked Classification Criteria (2023). Collection method: clinical testing. Allele origin: unknown.
Comment: This variant is considered benign. This variant is a silent/synonymous amino acid change and it is not expected to impact splicing.